The following is an entry in ClinVar:

ClinVar aggregate classification (germline): Likely benign. Review status: criteria provided, multiple submitters, no conflicts (2 of 4 stars). 3 submissions from 3 submitters: Likely benign (3). Last evaluated 2025-06-14.

Conditions:
MYH7B-related disorder. Also called: MYH7B-related condition.

Allele frequency attached by ClinVar (database versions not stated): ESP Exome Variant Server 0.00033; gnomAD exomes 0.00035; gnomAD 0.00048 and 0.00091; ExAC 0.00067.

Submissions (3):

PreventionGenetics, part of Exact Sciences
Classification: Likely benign for MYH7B-related condition. Last evaluated: 2025-06-14. Review status: criteria provided, single submitter. Criteria: ACMG Guidelines, 2015. Collection method: clinical testing. Allele origin: germline.
Comment: This variant is classified as likely benign based on ACMG/AMP sequence variant interpretation guidelines (Richards et al. 2015 PMID: 25741868, with internal and published modifications).

Labcorp Genetics (formerly Invitae), Labcorp
Classification: Likely benign. Last evaluated: 2025-06-04. Review status: criteria provided, single submitter. Criteria: Invitae Variant Classification Sherloc (09022015). Collection method: clinical testing. Allele origin: germline.

Breakthrough Genomics
Classification: Likely benign. Review status: criteria provided, single submitter. Criteria: ACMG Guidelines, 2015. Collection method: not provided. Allele origin: germline. Inheritance: Unknown mechanism. Affected: yes.

NM_020884.7(MYH7B):c.5175G>A (p.Ser1725=)

Gene: MYH7B (myosin heavy chain 7B; plus strand). Cytogenetic location: 20q11.22.
Variant type: single nucleotide variant.
Coding change: c.5175G>A on transcript NM_020884.7 (MANE Select); coding-DNA position 5175, G replaced by A.
Protein change: p.Ser1725=; no amino-acid change (serine 1725 retained).
Molecular consequence: synonymous variant.
Genome position (GRCh38, 1-based): chr20:35,000,686, G>A. VCF-style: chr20-35000686-G-A. GRCh37 (hg19) VCF-style: chr20-33588489-G-A.
Other names: c.5301G>A (NM_020884.4).
Identifiers: ClinVar variation 1452648 (VCV001452648.10), dbSNP rs369170933, ClinGen allele CA9828440.